The following is an entry in ClinVar:

ClinVar aggregate classification (germline): Uncertain significance (1 of 4 stars; one submission).

Submission:

CeGaT Center for Human Genetics Tuebingen
Classification: Uncertain significance. Last evaluated: 2023-10-01. Review status: criteria provided, single submitter. Criteria: CeGaT Center For Human Genetics Tuebingen Variant Classification Criteria Version 2. Collection method: clinical testing. Allele origin: germline. Affected: yes. Observed: 1 variant allele.
Comment: HDAC8: PM2

NM_018486.3(HDAC8):c.1112-599T>C

Gene: HDAC8 (histone deacetylase 8; minus strand). Cytogenetic location: Xq13.1.
Variant type: single nucleotide variant.
Coding change: c.1112-599T>C on transcript NM_018486.3 (MANE Select); 599 bases into the intron before coding-DNA position 1112, T replaced by C.
Molecular consequence: intron variant.
Genome position (GRCh38, 1-based): chrX:72,330,675, A>G on the plus strand (T>C on the coding strand, the complement: HDAC8 is on the minus strand). VCF-style: chrX-72330675-A-G. GRCh37 (hg19) VCF-style: chrX-71550525-A-G.
Other names: c.839-599T>C (NM_001166418.2); c.916+16T>C (NM_001410728.1); c.1034-599T>C (NM_001410727.1); c.1189+16T>C (NM_001410725.1).
Identifiers: ClinVar variation 2660910 (VCV002660910.24), dbSNP rs2519714121, ClinGen allele CA2695197159.
Genomic context (GRCh38, chrX:72,330,675, plus strand): 5'-GCCTAAGAGTCTTTGAGGGAAAAGTGATCATTTGAAATCCTACCGGACTGGGCTCTAGGA[A>G]TGAAAAGTTGCTCACTTTGTCCCTCCGTAGTCTTTGCCTTGCCACACTTCCCCAAGTAGA-3'